The following is an entry in ClinVar:

NM_206937.2(LIG4):c.1250C>G (p.Ala417Gly)

Gene: LIG4 (DNA ligase 4; minus strand). Cytogenetic location: 13q33.3.
Variant type: single nucleotide variant.
Coding change: c.1250C>G on transcript NM_206937.2 (MANE Select); coding-DNA position 1250, C replaced by G.
Protein change: p.Ala417Gly; replaces alanine 417 with glycine.
Molecular consequence: missense variant.
Genome position (GRCh38, 1-based): chr13:108,210,019, G>C on the plus strand (C>G on the coding strand, the complement: LIG4 is on the minus strand). VCF-style: chr13-108210019-G-C. GRCh37 (hg19) VCF-style: chr13-108862367-G-C.
Other names: c.1250C>G, p.Ala417Gly (NM_001098268.2, NM_001352598.2, NM_001352599.2 and 6 more transcripts); c.1049C>G, p.Ala350Gly (NM_001330595.2); c.1286C>G, p.Ala429Gly (NM_001352604.2); short protein forms A350G, A417G, A429G.
Identifiers: ClinVar variation 1381650 (VCV001381650.3), dbSNP rs2138974891, ClinGen allele CA388617978.
Genomic context (GRCh38, chr13:108,210,019, plus strand): 5'-ATGGATAGAGGTTGTTTTACCATAATTCCCTCTTCTCTTTTATCTATTGCTTCATTCAAT[G>C]CATCAATTACTTCATTCTTAGTATGAGCTTGTGTTTTCTGCACTATTTCTATTCTACCTG-3'
Protein context (NP_996820.1, residues 407-427): QAHTKNEVID[Ala417Gly]LNEAIDKREE

ClinVar aggregate classification (germline): Uncertain significance (1 of 4 stars; one submission).

Conditions:
DNA ligase IV deficiency. Identifiers: Orphanet 99812, MedGen C1847827, MONDO:0011686, OMIM 606593.

Submission:

Labcorp Genetics (formerly Invitae), Labcorp
Classification: Uncertain significance for DNA ligase IV deficiency. Last evaluated: 2022-08-09. Review status: criteria provided, single submitter. Criteria: Invitae Variant Classification Sherloc (09022015). Collection method: clinical testing. Allele origin: germline.
Comment: This sequence change replaces alanine, which is neutral and non-polar, with glycine, which is neutral and non-polar, at codon 417 of the LIG4 protein (p.Ala417Gly). This variant is not present in population databases (gnomAD no frequency). This variant has not been reported in the literature in individuals affected with LIG4-related conditions. ClinVar contains an entry for this variant (Variation ID: 1381650). Algorithms developed to predict the effect of missense changes on protein structure and function (SIFT, PolyPhen-2, Align-GVGD) all suggest that this variant is likely to be tolerated. In summary, the available evidence is currently insufficient to determine the role of this variant in disease. Therefore, it has been classified as a Variant of Uncertain Significance.